The following is an entry in ClinVar:

ClinVar aggregate classification (germline): Likely benign. Review status: criteria provided, multiple submitters, no conflicts (2 of 4 stars). 3 submissions from 3 submitters: Likely benign (2). 1 of the submissions does not count toward it. Last evaluated 2023-10-14.

Conditions:
TLR3-related disorder. Also called: TLR3-related condition.
Encephalopathy, acute, infection-induced (herpes-specific), susceptibility to, 1. Also called: Herpes simplex encephalitis, susceptibility to, 1. Identifiers: Orphanet 1930, MedGen C2750180, MONDO:0024563, OMIM 610551.

Allele frequency attached by ClinVar (database versions not stated): gnomAD exomes below 0.00001; ExAC 0.00001; TOPMed 0.00004.

Submissions (3):

Labcorp Genetics (formerly Invitae), Labcorp
Classification: Likely benign for Encephalopathy, acute, infection-induced (herpes-specific), susceptibility to, 1. Last evaluated: 2023-10-14. Review status: criteria provided, single submitter. Criteria: Invitae Variant Classification Sherloc (09022015). Collection method: clinical testing. Allele origin: germline.

Blueprint Genetics
Classification: Likely benign. Last evaluated: 2023-02-15. Review status: criteria provided, single submitter. Criteria: ACMG Guidelines, 2015. Collection method: clinical testing. Allele origin: germline.

PreventionGenetics, part of Exact Sciences
Classification: Likely benign for TLR3-related condition. Last evaluated: 2023-11-03. Review status: no assertion criteria provided. Collection method: clinical testing. Allele origin: germline. Not counted in ClinVar's aggregate classification.
Comment: This variant is classified as likely benign based on ACMG/AMP sequence variant interpretation guidelines (Richards et al. 2015 PMID: 25741868, with internal and published modifications).

NM_003265.3(TLR3):c.460C>T (p.Leu154=)

Gene: TLR3 (toll like receptor 3; plus strand). Cytogenetic location: 4q35.1.
Variant type: single nucleotide variant.
Coding change: c.460C>T on transcript NM_003265.3 (MANE Select); coding-DNA position 460, C replaced by T.
Protein change: p.Leu154=; no amino-acid change (leucine 154 retained).
Molecular consequence: synonymous variant.
Genome position (GRCh38, 1-based): chr4:186,078,858, C>T. VCF-style: chr4-186078858-C-T. GRCh37 (hg19) VCF-style: chr4-187000012-C-T.
Identifiers: ClinVar variation 2979005 (VCV002979005.6), dbSNP rs763756287, ClinGen allele CA3161231.
Genomic context (GRCh38, chr4:186,078,858, plus strand): 5'-ACAGCAAGACTCTAACATATGCATATTATTTTTTCCCTTCAGAATTTAATCACATTAGAT[C>T]TGTCTCATAATGGCTTGTCATCTACAAAATTAGGAACTCAGGTTCAGCTGGAAAATCTCC-3'
Protein context (NP_003256.1, residues 144-164): VKQKNLITLD[Leu154=]SHNGLSSTKL